The following is an entry in ClinVar:

ClinVar aggregate classification (germline): Benign/Likely benign. Review status: criteria provided, multiple submitters, no conflicts (2 of 4 stars). 6 submissions from 6 submitters: Benign (1); Likely benign (5). Last evaluated 2026-01-28.

Conditions:
Hypertrophic cardiomyopathy 26. Also called: Cardiomyopathy, familial hypertrophic, 26. Identifiers: Orphanet 75249, MedGen C4310749, MONDO:0014883, OMIM 617047.
Distal myopathy with posterior leg and anterior hand involvement. Also called: WILLIAMS DISTAL MYOPATHY. Identifiers: Orphanet 63273, MedGen C3279722, MONDO:0013550, OMIM 614065.
Myofibrillar myopathy 5. Also called: Filaminopathy (type); FILAMINOPATHY, AUTOSOMAL DOMINANT. Identifiers: Orphanet 171445, MedGen C1836050, MONDO:0012289, OMIM 609524.
FLNC-related disorder. Also called: FLNC-related condition; FLNC-related disorders.
Cardiovascular phenotype. Identifiers: MedGen CN230736.

Allele frequency attached by ClinVar (database versions not stated): TOPMed 0.00008; ExAC 0.00009; gnomAD exomes 0.00012 and 0.00007; 1000 Genomes Project 30x 0.00031; 1000 Genomes Project 0.00120; gnomAD 0.00005 and 0.00007.
gnomAD v4.1: 124 of 1,612,220 alleles (0.0077%); highest among the groups gnomAD compares: East Asian, 0.15%; 1 homozygote.

Submissions (6):

Labcorp Genetics (formerly Invitae), Labcorp
Classification: Likely benign for Distal myopathy with posterior leg and anterior hand involvement; Myofibrillar myopathy 5; Hypertrophic cardiomyopathy 26. Last evaluated: 2026-01-28. Review status: criteria provided, single submitter. Criteria: Invitae Variant Classification Sherloc (09022015). Collection method: clinical testing. Allele origin: germline.

PreventionGenetics, part of Exact Sciences
Classification: Likely benign for FLNC-related condition. Last evaluated: 2025-08-20. Review status: criteria provided, single submitter. Criteria: ACMG Guidelines, 2015. Collection method: clinical testing. Allele origin: germline.
Comment: This variant is classified as likely benign based on ACMG/AMP sequence variant interpretation guidelines (Richards et al. 2015 PMID: 25741868, with internal and published modifications).

Blueprint Genetics
Classification: Likely benign. Last evaluated: 2024-11-27. Review status: criteria provided, single submitter. Criteria: ACMG Guidelines, 2015. Collection method: clinical testing. Allele origin: germline.

Department of Pathology and Laboratory Medicine, Sinai Health System
Classification: Likely benign for Myofibrillar myopathy 5; Distal myopathy with posterior leg and anterior hand involvement; Hypertrophic cardiomyopathy 26. Last evaluated: 2021-12-01. Review status: criteria provided, single submitter. Criteria: ACMG Guidelines, 2015. Collection method: research. Allele origin: germline.

GeneDx
Classification: Benign. Last evaluated: 2021-03-25. Review status: criteria provided, single submitter. Criteria: GeneDx Variant Classification Process June 2021. Collection method: clinical testing. Allele origin: germline. Affected: yes.

Ambry Genetics
Classification: Likely benign for Cardiovascular phenotype. Last evaluated: 2019-05-02. Review status: criteria provided, single submitter. Criteria: Ambry Variant Classification Scheme 2023. Collection method: clinical testing. Allele origin: germline.

NM_001458.5(FLNC):c.22T>C (p.Ser8Pro)

Gene: FLNC (filamin C; plus strand). Cytogenetic location: 7q32.1.
Variant type: single nucleotide variant.
Coding change: c.22T>C on transcript NM_001458.5 (MANE Select); coding-DNA position 22, T replaced by C.
Protein change: p.Ser8Pro; replaces serine 8 with proline.
Molecular consequence: missense variant.
Genome position (GRCh38, 1-based): chr7:128,830,659, T>C. VCF-style: chr7-128830659-T-C. GRCh37 (hg19) VCF-style: chr7-128470713-T-C.
Other names: c.22T>C, p.Ser8Pro (NM_001127487.2); short protein forms S8P.
Identifiers: ClinVar variation 774783 (VCV000774783.17), dbSNP rs544875797, ClinGen allele CA4473951.